The following is an entry in ClinVar:

ClinVar aggregate classification (germline): Pathogenic/Likely pathogenic. Review status: criteria provided, multiple submitters, no conflicts (2 of 4 stars). 2 submissions from 2 submitters: Pathogenic (1); Likely pathogenic (1). Last evaluated 2023-06-24.

Conditions:
Retinitis pigmentosa 25 (RP25). Identifiers: Orphanet 791, MedGen C1864446, MONDO:0011272, OMIM 602772.

Submissions (2):

Baylor Genetics
Classification: Likely pathogenic for Retinitis pigmentosa 25. Last evaluated: 2023-06-24. Review status: criteria provided, single submitter. Criteria: ACMG Guidelines, 2015. Collection method: clinical testing. Allele origin: unknown.

Labcorp Genetics (formerly Invitae), Labcorp
Classification: Pathogenic. Last evaluated: 2023-05-01. Review status: criteria provided, single submitter. Criteria: Invitae Variant Classification Sherloc (09022015). Collection method: clinical testing. Allele origin: germline.
Comment: This sequence change creates a premature translational stop signal (p.Phe1746Leufs*3) in the EYS gene. It is expected to result in an absent or disrupted protein product. Loss-of-function variants in EYS are known to be pathogenic (PMID: 18836446, 20333770). This variant is not present in population databases (gnomAD no frequency). This variant has not been reported in the literature in individuals affected with EYS-related conditions. For these reasons, this variant has been classified as Pathogenic.

Literature cited by the submitters: PubMed 18836446 (cited by Labcorp Genetics (formerly Invitae), Labcorp); PubMed 20333770 (cited by Labcorp Genetics (formerly Invitae), Labcorp).

NM_001142800.2(EYS):c.5238del (p.Phe1746fs)

Gene: EYS (EGF-like photoreceptor maintenance factor; minus strand). Cytogenetic location: 6q12.
Variant type: Deletion.
Coding change: c.5238del on transcript NM_001142800.2 (MANE Select); coding-DNA position 5238, one base deleted (T; older notation c.5238delT).
Protein change: p.Phe1746fs; shifts the reading frame from phenylalanine 1746.
Molecular consequence: frameshift variant.
Genome position (GRCh38, 1-based): chr6:64,590,629, A deleted on the plus strand (T on the coding strand, the reverse complement: EYS is on the minus strand); the first of 4 consecutive A bases (chr6:64,590,629-64,590,632); deleting any one gives the same sequence. VCF-style (leftmost placement, unchanged base first): chr6-64590628-CA-C. GRCh37 (hg19) VCF-style: chr6-65300521-CA-C.
Other names: c.5238del, p.Phe1746fs (NM_001292009.2); short protein forms F1746fs.
Identifiers: ClinVar variation 2675273 (VCV002675273.4), dbSNP rs2533150161, ClinGen allele CA2695198236.